The following is an entry in ClinVar:

NM_033380.3(COL4A5):c.4743del (p.Val1582fs)

Gene: COL4A5 (collagen type IV alpha 5 chain; plus strand). Cytogenetic location: Xq22.3.
Variant type: Deletion.
Coding change: c.4743del on transcript NM_033380.3 (MANE Select); coding-DNA position 4743, one base deleted (A; older notation c.4743delA).
Protein change: p.Val1582fs; shifts the reading frame from valine 1582.
Molecular consequence: frameshift variant.
Genome position (GRCh38, 1-based): chrX:108,694,843, A deleted. VCF-style (leftmost placement, unchanged base first): chrX-108694842-CA-C. GRCh37 (hg19) VCF-style: chrX-107938072-CA-C.
Other names: c.4725del, p.Val1576fs (NM_000495.5); short protein forms V1576fs, V1582fs.
Identifiers: ClinVar variation 587238 (VCV000587238.11), dbSNP rs1569509210, ClinGen allele CA891843695.

ClinVar aggregate classification (germline): Pathogenic (1 of 4 stars; one submission).

Submission:

Labcorp Genetics (formerly Invitae), Labcorp
Classification: Pathogenic. Last evaluated: 2021-08-04. Review status: criteria provided, single submitter. Criteria: Invitae Variant Classification Sherloc (09022015). Collection method: clinical testing. Allele origin: germline.
Comment: For these reasons, this variant has been classified as Pathogenic. Loss-of-function variants in COL4A5 are known to be pathogenic (PMID: 9195222, 10752524, 14514738, 24854265, 26809805). This variant has been observed in individual(s) with clinical features of Alport syndrome (PMID: 29270492). ClinVar contains an entry for this variant (Variation ID: 587238). This variant is not present in population databases (ExAC no frequency). This sequence change creates a premature translational stop signal (p.Val1576Phefs*25) in the COL4A5 gene. It is expected to result in an absent or disrupted protein product.

Literature cited by the submitters: PubMed 9195222; PubMed 10752524; PubMed 14514738; PubMed 24854265; PubMed 26809805; PubMed 29270492.